The following is an entry in ClinVar:

ClinVar aggregate classification (germline): Uncertain significance (1 of 4 stars; one submission).

Submission:

GeneDx
Classification: Uncertain significance. Last evaluated: 2024-05-03. Review status: criteria provided, single submitter. Criteria: GeneDx Variant Classification Process June 2021. Collection method: clinical testing. Allele origin: germline. Affected: yes.
Comment: Not observed at significant frequency in large population cohorts (gnomAD); In silico analysis supports that this missense variant has a deleterious effect on protein structure/function; Has not been previously published as pathogenic or benign to our knowledge

NM_001321120.2(TBX4):c.452A>G (p.His151Arg)

Gene: TBX4 (T-box transcription factor 4; plus strand). Cytogenetic location: 17q23.2.
Variant type: single nucleotide variant.
Coding change: c.452A>G on transcript NM_001321120.2 (MANE Select); coding-DNA position 452, A replaced by G.
Protein change: p.His151Arg; replaces histidine 151 with arginine.
Molecular consequence: missense variant.
Genome position (GRCh38, 1-based): chr17:61,467,560, A>G. VCF-style: chr17-61467560-A-G. GRCh37 (hg19) VCF-style: chr17-59544921-A-G.
Other names: c.452A>G, p.His151Arg (NM_018488.3); short protein forms H151R.
Identifiers: ClinVar variation 3373349 (VCV003373349.1).